The following is an entry in ClinVar:

NM_021098.3(CACNA1H):c.2537C>T (p.Ala846Val)

Gene: CACNA1H (calcium voltage-gated channel subunit alpha1 H; plus strand). Cytogenetic location: 16p13.3.
Variant type: single nucleotide variant.
Coding change: c.2537C>T on transcript NM_021098.3 (MANE Select); coding-DNA position 2537, C replaced by T.
Protein change: p.Ala846Val; replaces alanine 846 with valine.
Molecular consequence: missense variant.
Genome position (GRCh38, 1-based): chr16:1,205,199, C>T. VCF-style: chr16-1205199-C-T. GRCh37 (hg19) VCF-style: chr16-1255199-C-T.
Other names: c.2537C>T, p.Ala846Val (NM_001005407.2); short protein forms A846V.
Identifiers: ClinVar variation 265068 (VCV000265068.5), dbSNP rs779724136, ClinGen allele CA10588594.

ClinVar aggregate classification (germline): Conflicting classifications of pathogenicity. Review status: criteria provided, conflicting classifications (1 of 4 stars). 2 submissions from 2 submitters: Uncertain significance (1); Benign (1). Last evaluated 2023-03-13.

Conditions:
Idiopathic generalized epilepsy. Also called: Generalised epilepsy; EIG. Identifiers: MedGen C0270850, MONDO:0005579, OMIM 600669.
Hyperaldosteronism, familial, type IV (HALD4). Also called: FH IV; ALDOSTERONISM, PRIMARY, AND HYPERTENSION. Identifiers: Orphanet 642671, MedGen C4310756, MONDO:0014875, OMIM 617027.

Allele frequency attached by ClinVar (database versions not stated): gnomAD 0.00001.
gnomAD v4.1: 4 of 1,612,950 alleles (0.00025%); highest among the groups gnomAD compares: African/African-American, 0.0027%; no homozygotes.

Submissions (2):

Labcorp Genetics (formerly Invitae), Labcorp
Classification: Benign for Idiopathic generalized epilepsy; Hyperaldosteronism, familial, type IV. Last evaluated: 2023-03-13. Review status: criteria provided, single submitter. Criteria: Invitae Variant Classification Sherloc (09022015). Collection method: clinical testing. Allele origin: germline.

GeneDx
Classification: Uncertain significance. Last evaluated: 2017-01-31. Review status: criteria provided, single submitter. Criteria: GeneDx Variant Classification (06012015). Collection method: clinical testing. Allele origin: germline. Affected: yes.
Comment: The A846V variant in the CACNA1H gene has not been reported previously as a pathogenic variant nor as a benign variant, to our knowledge. This variant is not observed in large population cohorts (Lek et al., 2016; 1000 Genomes Consortium et al., 2015; Exome Variant Server). The A846V variant is a conservative amino acid substitution, which is not likely to impact secondary protein structure as these residues share similar properties. This substitution occurs at a position that is conserved across species. In silico analysis is inconsistent in its predictions as to whether or not the variant is damaging to the protein structure/function. Based on currently available evidence, we interpret A846V as a variant of unknown significance.